The following is an entry in ClinVar:

ClinVar aggregate classification (germline): Uncertain significance (1 of 4 stars; one submission).

Conditions:
Charcot-Marie-Tooth disease axonal type 2O. Also called: CHARCOT-MARIE-TOOTH NEUROPATHY, AXONAL, TYPE 2O; CHARCOT-MARIE-TOOTH DISEASE, AXONAL, AUTOSOMAL DOMINANT, TYPE 2O; Charcot-Marie-Tooth Neuropathy Type 2O; Charcot-Marie-Tooth disease, axonal, type 20. Identifiers: Orphanet 284232, MedGen C3280220, MONDO:0013644, OMIM 614228.

Allele frequency attached by ClinVar (database versions not stated): gnomAD exomes below 0.00001; TOPMed 0.00001.
gnomAD v4.1: 1 of 1,614,182 alleles (0.000062%); highest among the groups gnomAD compares: African/African-American, 0.0013%; no homozygotes.

Submission:

Labcorp Genetics (formerly Invitae), Labcorp
Classification: Uncertain significance for Charcot-Marie-Tooth disease axonal type 2O. Last evaluated: 2023-03-03. Review status: criteria provided, single submitter. Criteria: Invitae Variant Classification Sherloc (09022015). Collection method: clinical testing. Allele origin: germline.
Comment: This sequence change falls in intron 71 of the DYNC1H1 gene. It does not directly change the encoded amino acid sequence of the DYNC1H1 protein. It affects a nucleotide within the consensus splice site. This variant is not present in population databases (gnomAD no frequency). This variant has not been reported in the literature in individuals affected with DYNC1H1-related conditions. Variants that disrupt the consensus splice site are a relatively common cause of aberrant splicing (PMID: 17576681, 9536098). Algorithms developed to predict the effect of sequence changes on RNA splicing suggest that this variant is not likely to affect RNA splicing. In summary, the available evidence is currently insufficient to determine the role of this variant in disease. Therefore, it has been classified as a Variant of Uncertain Significance.

Literature cited by the submitters: PubMed 17576681; PubMed 9536098.

NM_001376.5(DYNC1H1):c.12902+4T>C

Gene: DYNC1H1 (dynein cytoplasmic 1 heavy chain 1; plus strand). Cytogenetic location: 14q32.31.
Variant type: single nucleotide variant.
Coding change: c.12902+4T>C on transcript NM_001376.5 (MANE Select); 4 bases into the intron after coding-DNA position 12902, T replaced by C.
Molecular consequence: intron variant.
Genome position (GRCh38, 1-based): chr14:102,044,495, T>C. VCF-style: chr14-102044495-T-C. GRCh37 (hg19) VCF-style: chr14-102510832-T-C.
Identifiers: ClinVar variation 2733465 (VCV002733465.3), dbSNP rs2048691233, ClinGen allele CA2159615738.